The following is an entry in ClinVar:

ClinVar aggregate classification (germline): Uncertain significance (1 of 4 stars; one submission).

gnomAD v4.1: 1 of 1,610,290 alleles (0.000062%); highest among the groups gnomAD compares: Non-Finnish European, 0.000085%; no homozygotes.

Submission:

Labcorp Genetics (formerly Invitae), Labcorp
Classification: Uncertain significance. Last evaluated: 2025-07-21. Review status: criteria provided, single submitter. Criteria: Invitae Variant Classification Sherloc (09022015). Collection method: clinical testing. Allele origin: germline.
Comment: This sequence change replaces alanine, which is neutral and non-polar, with glycine, which is neutral and non-polar, at codon 1053 of the ADAMTS13 protein (p.Ala1053Gly). This variant is not present in population databases (gnomAD no frequency). This variant has not been reported in the literature in individuals affected with ADAMTS13-related conditions. An algorithm developed to predict the effect of missense changes on protein structure and function outputs the following: PolyPhen-2: "Benign". The glycine amino acid residue is found in multiple mammalian species, which suggests that this missense change does not adversely affect protein function. In summary, the available evidence is currently insufficient to determine the role of this variant in disease. Therefore, it has been classified as a Variant of Uncertain Significance.

NM_139027.6(ADAMTS13):c.3158C>G (p.Ala1053Gly)

Gene: ADAMTS13 (ADAM metallopeptidase with thrombospondin type 1 motif 13; plus strand). Cytogenetic location: 9q34.2.
Variant type: single nucleotide variant.
Coding change: c.3158C>G on transcript NM_139027.6 (MANE Select); coding-DNA position 3158, C replaced by G.
Protein change: p.Ala1053Gly; replaces alanine 1053 with glycine.
Molecular consequence: missense variant. On other transcripts: non-coding transcript variant (1).
Genome position (GRCh38, 1-based): chr9:133,454,528, C>G. VCF-style: chr9-133454528-C-G. GRCh37 (hg19) VCF-style: chr9-136319650-C-G.
Other names: c.3158C>G, p.Ala1053Gly (NM_139025.5); c.3065C>G, p.Ala1022Gly (NM_139026.6); short protein forms A1053G, A1022G.
Identifiers: ClinVar variation 4723640 (VCV004723640.1).
Genomic context (GRCh38, chr9:133,454,528, plus strand): 5'-CTAGACGCTCGGTGGCCTGTGTGCAGCTCGACCAAGGCCAGGACGTGGAGGTGGACGAGG[C>G]GGCCTGTGCGGCGCTGGTGCGGCCCGAGGCCAGTGTCCCCTGTCTCATTGCCGACTGCAC-3'
Protein context (NP_620596.2, residues 1043-1063): DQGQDVEVDE[Ala1053Gly]ACAALVRPEA